The following is an entry in ClinVar:

NM_006393.3(NEBL):c.1450-9T>G

Gene: NEBL (nebulette; minus strand). Cytogenetic location: 10p12.31.
Variant type: single nucleotide variant.
Coding change: c.1450-9T>G on transcript NM_006393.3 (MANE Select); 9 bases into the intron before coding-DNA position 1450, T replaced by G.
Molecular consequence: intron variant.
Genome position (GRCh38, 1-based): chr10:20,831,592, A>C on the plus strand (T>G on the coding strand, the complement: NEBL is on the minus strand). VCF-style: chr10-20831592-A-C. GRCh37 (hg19) VCF-style: chr10-21120521-A-C.
Other names: c.250-18652T>G (NM_001377326.1, NM_001377327.1, NM_001377328.1); c.358-18652T>G (NM_213569.2, NM_001173484.2, NM_001377322.1); c.301-18652T>G (NM_001377324.1); c.292-18652T>G (NM_001377325.1); c.310-18652T>G (NM_001377323.1).
Identifiers: ClinVar variation 164752 (VCV000164752.24), dbSNP rs45628140, ClinGen allele CA177436.

ClinVar aggregate classification (germline): Benign. Review status: criteria provided, multiple submitters, no conflicts (2 of 4 stars). 8 submissions from 8 submitters: Benign (5). 3 of the submissions do not count toward it. Last evaluated 2026-02-01.

Conditions:
NEBL-related disorder. Also called: NEBL-related condition.
Primary dilated cardiomyopathy (DCM). Also called: Dilated Cardiomyopathy. Identifiers: Orphanet 217604, MedGen C0007193, MeSH D002311, MONDO:0005021, HP:0001644. Inheritance: Various modes of inheritance.

Allele frequency attached by ClinVar (database versions not stated): gnomAD exomes 0.00074 and 0.00139; ExAC 0.00139; ESP Exome Variant Server 0.00223; gnomAD 0.00271 and 0.00280; TOPMed 0.00317; 1000 Genomes Project 30x 0.00406; 1000 Genomes Project 0.00459.
gnomAD v4.1: 1,522 of 1,550,754 alleles (0.098%); highest among the groups gnomAD compares: African/African-American, 0.79%; 6 homozygotes.

Submissions (9):

Labcorp Genetics (formerly Invitae), Labcorp
Classification: Benign for Primary dilated cardiomyopathy. Last evaluated: 2026-02-01. Review status: criteria provided, single submitter. Criteria: Invitae Variant Classification Sherloc (09022015). Collection method: clinical testing. Allele origin: germline.

Women's Health and Genetics/Laboratory Corporation of America, LabCorp
Classification: Benign. Last evaluated: 2024-03-03. Review status: criteria provided, single submitter. Criteria: LabCorp Variant Classification Summary - May 2015. Collection method: clinical testing. Allele origin: germline.

GeneDx
Classification: Benign. Last evaluated: 2014-08-28. Review status: criteria provided, single submitter. Criteria: GeneDx Variant Classification (06012015). Collection method: clinical testing. Allele origin: germline. Affected: yes.
Comment: This variant is considered likely benign or benign based on one or more of the following criteria: it is a conservative change, it occurs at a poorly conserved position in the protein, it is predicted to be benign by multiple in silico algorithms, and/or has population frequency not consistent with disease.

Laboratory for Molecular Medicine, Mass General Brigham Personalized Medicine
Classification: Benign. Last evaluated: 2012-03-19. Review status: criteria provided, single submitter. Criteria: LMM Criteria. Collection method: clinical testing. Allele origin: germline. Observed: 6 variant alleles.
Comment: c.1450-9T>G in Intron 14 of NEBL: This variant is not expected to have clinical significance because it has been identified in 17.5% (7/40) of chromosomes from a population in the dbSNP database (rs 45628140).

Breakthrough Genomics
Classification: Benign. Review status: criteria provided, single submitter. Criteria: ACMG Guidelines, 2015. Collection method: not provided. Allele origin: germline. Inheritance: Unknown mechanism. Affected: yes.

PreventionGenetics, part of Exact Sciences
Classification: Benign for NEBL-related condition. Last evaluated: 2019-02-25. Review status: no assertion criteria provided. Collection method: clinical testing. Allele origin: germline. Not counted in ClinVar's aggregate classification.
Comment: This variant is classified as benign based on ACMG/AMP sequence variant interpretation guidelines (Richards et al. 2015 PMID: 25741868, with internal and published modifications).

Clinical Genetics DNA and cytogenetics Diagnostics Lab, Erasmus MC, Erasmus Medical Center
Classification: Likely benign. Review status: no assertion criteria provided. Collection method: clinical testing. Allele origin: germline. Affected: yes. Study: VKGL Data-share Consensus. Not counted in ClinVar's aggregate classification.

Dr. Peter K. Rogan Lab, Western University
No classification provided (evidence only). Condition: Gastric cancer. Review status: no classification provided. Collection method: in vitro. Allele origin: not applicable. Functional consequence: retained intron. Not counted in ClinVar's aggregate classification.

Genome Diagnostics Laboratory, University Medical Center Utrecht
Classification: Benign. Review status: no assertion criteria provided. Collection method: clinical testing. Allele origin: germline. Affected: yes. Study: VKGL Data-share Consensus. Not counted in ClinVar's aggregate classification.